The following is an entry in ClinVar:

ClinVar aggregate classification (germline): Uncertain significance (1 of 4 stars; one submission).

gnomAD v4.1: 64 of 1,528,440 alleles (0.0042%); highest among the groups gnomAD compares: Admixed American, 0.027%; no homozygotes.

Submission:

Labcorp Genetics (formerly Invitae), Labcorp
Classification: Uncertain significance. Last evaluated: 2024-03-04. Review status: criteria provided, single submitter. Criteria: Invitae Variant Classification Sherloc (09022015). Collection method: clinical testing. Allele origin: germline.
Comment: This sequence change replaces threonine, which is neutral and polar, with methionine, which is neutral and non-polar, at codon 1546 of the MYH7B protein (p.Thr1546Met). This variant is present in population databases (rs766259714, gnomAD 0.04%). This variant has not been reported in the literature in individuals affected with MYH7B-related conditions. Advanced modeling of protein sequence and biophysical properties (such as structural, functional, and spatial information, amino acid conservation, physicochemical variation, residue mobility, and thermodynamic stability) performed at Invitae indicates that this missense variant is not expected to disrupt MYH7B protein function with a negative predictive value of 80%. In summary, the available evidence is currently insufficient to determine the role of this variant in disease. Therefore, it has been classified as a Variant of Uncertain Significance.

NM_020884.7(MYH7B):c.4511C>T (p.Thr1504Met)

Gene: MYH7B (myosin heavy chain 7B; plus strand). Cytogenetic location: 20q11.22.
Variant type: single nucleotide variant.
Coding change: c.4511C>T on transcript NM_020884.7 (MANE Select); coding-DNA position 4511, C replaced by T.
Protein change: p.Thr1504Met; replaces threonine 1504 with methionine.
Molecular consequence: missense variant.
Genome position (GRCh38, 1-based): chr20:34,999,376, C>T. VCF-style: chr20-34999376-C-T. GRCh37 (hg19) VCF-style: chr20-33587179-C-T.
Other names: short protein forms T1504M.
Identifiers: ClinVar variation 3665804 (VCV003665804.2).
Genomic context (GRCh38, chr20:34,999,376, plus strand): 5'-TGGGCACCGAGCTCTTCCGGCTGCGGCACGGCCACGAGGAGGCACTTGAAGCCCTGGAGA[C>T]GCTCAAGCGGGAGAACAAGAACCTGCAGGGTAGGACCTGCCACACGCCAGGGCCAGGGTG-3'
Protein context (NP_065935.4, residues 1494-1514): GHEEALEALE[Thr1504Met]LKRENKNLQE